The following is an entry in ClinVar:

ClinVar aggregate classification (germline): Uncertain significance (1 of 4 stars; one submission).

Conditions:
Inborn genetic diseases. Identifiers: MedGen C0950123, MeSH D030342.

gnomAD v4.1: 1 of 1,614,206 alleles (0.000062%); highest among the groups gnomAD compares: African/African-American, 0.0013%; no homozygotes.

Submission:

Ambry Genetics
Classification: Uncertain significance for Inborn genetic diseases. Last evaluated: 2025-08-25. Review status: criteria provided, single submitter. Criteria: Ambry Variant Classification Scheme 2023. Collection method: clinical testing. Allele origin: germline.
Comment: The p.D1355H variant (also known as c.4063G>C), located in coding exon 13 of the ASXL1 gene, results from a G to C substitution at nucleotide position 4063. The aspartic acid at codon 1355 is replaced by histidine, an amino acid with similar properties. This amino acid position is conserved. In addition, this alteration is predicted to be tolerated by in silico analysis. Based on the available evidence, the clinical significance of this variant remains unclear.

NM_015338.6(ASXL1):c.4063G>C (p.Asp1355His)

Gene: ASXL1 (ASXL transcriptional regulator 1; plus strand). Cytogenetic location: 20q11.21.
Variant type: single nucleotide variant.
Coding change: c.4063G>C on transcript NM_015338.6 (MANE Select); coding-DNA position 4063, G replaced by C.
Protein change: p.Asp1355His; replaces aspartic acid 1355 with histidine.
Molecular consequence: missense variant.
Genome position (GRCh38, 1-based): chr20:32,436,775, G>C. VCF-style: chr20-32436775-G-C. GRCh37 (hg19) VCF-style: chr20-31024578-G-C.
Other names: c.3880G>C, p.Asp1294His (NM_001363734.1); short protein forms D1294H, D1355H.
Identifiers: ClinVar variation 4159205 (VCV004159205.1).
Genomic context (GRCh38, chr20:32,436,775, plus strand): 5'-AGTGGGAAGTTGGGACCAAGCACAAACTCCATGTCTGGTGGGGTACAGACTCCAAGGGAA[G>C]ACTGGGCTCCAAAGCCACATGCCTTTGTTGGCAGCGTCAAGAATGAGAAGACTTTTGTGG-3'
Protein context (NP_056153.2, residues 1345-1365): MSGGVQTPRE[Asp1355His]WAPKPHAFVG